The following is an entry in ClinVar:

ClinVar aggregate classification (germline): Uncertain significance (1 of 4 stars; one submission).

Conditions:
REST-related disorder. Also called: REST-related condition.

Submission:

PreventionGenetics, part of Exact Sciences
Classification: Uncertain significance for REST-related condition. Last evaluated: 2023-03-19. Review status: criteria provided, single submitter. Criteria: ACMG Guidelines, 2015. Collection method: clinical testing. Allele origin: germline.
Comment: The REST c.843C>G variant is predicted to result in the amino acid substitution p.Cys281Trp. To our knowledge, this variant has not been reported in the literature or in a large population database, indicating this variant is rare. At this time, the clinical significance of this variant is uncertain due to the absence of conclusive functional and genetic evidence.

NM_005612.5(REST):c.843C>G (p.Cys281Trp)

Gene: REST (RE1 silencing transcription factor; plus strand). Cytogenetic location: 4q12.
Variant type: single nucleotide variant.
Coding change: c.843C>G on transcript NM_005612.5 (MANE Select); coding-DNA position 843, C replaced by G.
Protein change: p.Cys281Trp; replaces cysteine 281 with tryptophan.
Molecular consequence: missense variant.
Genome position (GRCh38, 1-based): chr4:56,911,481, C>G. VCF-style: chr4-56911481-C-G. GRCh37 (hg19) VCF-style: chr4-57777647-C-G.
Other names: c.843C>G, p.Cys281Trp (NM_001193508.2, NM_001363453.3); short protein forms C281W.
Identifiers: ClinVar variation 2633455 (VCV002633455.1), dbSNP rs751201019, ClinGen allele CA357004958.